The following is an entry in ClinVar:

ClinVar aggregate classification (germline): Uncertain significance (1 of 4 stars; one submission).

Conditions:
Epidermolysis bullosa simplex 5B, with muscular dystrophy (EBS5B). Also called: Epidermolysis bullosa simplex with muscular dystrophy; EPIDERMOLYSIS BULLOSA SIMPLEX AND LIMB-GIRDLE MUSCULAR DYSTROPHY. Identifiers: Orphanet 257, MedGen C2931072, MONDO:0009181, OMIM 226670.
Epidermolysis bullosa simplex 5C, with pyloric atresia (EBS5C). Also called: Epidermolysis bullosa simplex with pyloric atresia; PLEC-Related Epidermolysis Bullosa with Pyloric Atresia; PLEC1-Related Epidermolysis Bullosa with Pyloric Atresia. Identifiers: Orphanet 158684, MedGen C2677349, MONDO:0012807, OMIM 612138.
Epidermolysis bullosa simplex with nail dystrophy (EBS5D). Identifiers: MedGen C4225309, MONDO:0014661, OMIM 616487.
Autosomal recessive limb-girdle muscular dystrophy type 2Q (LGMDR17). Also called: MUSCULAR DYSTROPHY, LIMB-GIRDLE, AUTOSOMAL RECESSIVE 17. Identifiers: Orphanet 254361, MedGen C3150989, MONDO:0013390, OMIM 613723.
Epidermolysis bullosa simplex, Ogna type (EBS5A). Also called: Pidermolysis bullosa simplex 5A, Ogna type; EPIDERMOLYSIS BULLOSA SIMPLEX 5A, OGNA TYPE. Identifiers: Orphanet 79401, MedGen C0432317, MONDO:0007555, OMIM 131950.

gnomAD v4.1: 2 of 1,612,156 alleles (0.00012%); highest among the groups gnomAD compares: Admixed American, 0.0033%; no homozygotes.

Submission:

Labcorp Genetics (formerly Invitae), Labcorp
Classification: Uncertain significance for Autosomal recessive limb-girdle muscular dystrophy type 2Q; Epidermolysis bullosa simplex, Ogna type; Epidermolysis bullosa simplex with nail dystrophy; Epidermolysis bullosa simplex 5C, with pyloric atresia; Epidermolysis bullosa simplex 5B, with muscular dystrophy. Last evaluated: 2022-07-06. Review status: criteria provided, single submitter. Criteria: Invitae Variant Classification Sherloc (09022015). Collection method: clinical testing. Allele origin: germline.
Comment: This variant is present in population databases (no rsID available, gnomAD 0.003%). This variant has not been reported in the literature in individuals affected with PLEC-related conditions. ClinVar contains an entry for this variant (Variation ID: 1357760). Algorithms developed to predict the effect of missense changes on protein structure and function (SIFT, PolyPhen-2, Align-GVGD) all suggest that this variant is likely to be disruptive. In summary, the available evidence is currently insufficient to determine the role of this variant in disease. Therefore, it has been classified as a Variant of Uncertain Significance. This sequence change replaces lysine, which is basic and polar, with asparagine, which is neutral and polar, at codon 2947 of the PLEC protein (p.Lys2947Asn).

NM_201384.3(PLEC):c.8760G>T (p.Lys2920Asn)

Gene: PLEC (plectin; minus strand). Cytogenetic location: 8q24.3.
Variant type: single nucleotide variant.
Coding change: c.8760G>T on transcript NM_201384.3 (MANE Select); coding-DNA position 8760, G replaced by T.
Protein change: p.Lys2920Asn; replaces lysine 2920 with asparagine.
Molecular consequence: missense variant.
Genome position (GRCh38, 1-based): chr8:143,921,061, C>A on the plus strand (G>T on the coding strand, the complement: PLEC is on the minus strand). VCF-style: chr8-143921061-C-A. GRCh37 (hg19) VCF-style: chr8-144995229-C-A.
Other names: c.8841G>T, p.Lys2947Asn (NM_000445.5); c.8718G>T, p.Lys2906Asn (NM_201378.4); c.8694G>T, p.Lys2898Asn (NM_201379.3); c.9171G>T, p.Lys3057Asn (NM_201380.4); c.8664G>T, p.Lys2888Asn (NM_201381.3); c.8760G>T, p.Lys2920Asn (NM_201382.4); c.8772G>T, p.Lys2924Asn (NM_201383.3); short protein forms K2920N, K2924N, K2888N, K2898N, K2906N, K2947N, K3057N.
Identifiers: ClinVar variation 1357760 (VCV001357760.11), dbSNP rs782654615, ClinGen allele CA372515395.